The following is an entry in ClinVar:

NM_005045.4(RELN):c.4678A>C (p.Ile1560Leu)

Gene: RELN (reelin; minus strand). Cytogenetic location: 7q22.1.
Variant type: single nucleotide variant.
Coding change: c.4678A>C on transcript NM_005045.4 (MANE Select); coding-DNA position 4678, A replaced by C.
Protein change: p.Ile1560Leu; replaces isoleucine 1560 with leucine.
Molecular consequence: missense variant.
Genome position (GRCh38, 1-based): chr7:103,566,670, T>G on the plus strand (A>C on the coding strand, the complement: RELN is on the minus strand). VCF-style: chr7-103566670-T-G. GRCh37 (hg19) VCF-style: chr7-103207117-T-G.
Other names: c.4678A>C, p.Ile1560Leu (NM_173054.3); short protein forms I1560L.
Identifiers: ClinVar variation 3762234 (VCV003762234.2).
Genomic context (GRCh38, chr7:103,566,670, plus strand): 5'-GTTGCCACCATCGAAATGCCGTTGCAGGTGTCTTCGCGTCCTGTGGCAGGTCAATGGAAA[T>G]GATCTGTGGTTCCAGGAAGGACATGAAGTCCAACTCTCGAAGCAAATGCCAGAGTATCCC-3'
Protein context (NP_005036.2, residues 1550-1570): DFMSFLEPQI[Ile1560Leu]SIDLPQDAKT

ClinVar aggregate classification (germline): Uncertain significance (1 of 4 stars; one submission).

Conditions:
Norman-Roberts syndrome (LIS2). Also called: Lissencephaly 2 (Norman-Roberts type). Identifiers: Orphanet 89844, MedGen C0796089, MONDO:0009760, OMIM 257320.
Familial temporal lobe epilepsy 7. Identifiers: Orphanet 101046, MedGen C4225327, MONDO:0014639, OMIM 616436.

gnomAD v4.1: 4 of 1,613,982 alleles (0.00025%); highest among the groups gnomAD compares: Non-Finnish European, 0.00034%; no homozygotes.

Submission:

Labcorp Genetics (formerly Invitae), Labcorp
Classification: Uncertain significance for Familial temporal lobe epilepsy 7; Norman-Roberts syndrome. Last evaluated: 2024-05-05. Review status: criteria provided, single submitter. Criteria: Invitae Variant Classification Sherloc (09022015). Collection method: clinical testing. Allele origin: germline.
Comment: This sequence change replaces isoleucine, which is neutral and non-polar, with leucine, which is neutral and non-polar, at codon 1560 of the RELN protein (p.Ile1560Leu). This variant is present in population databases (rs780724928, gnomAD 0.0009%). This variant has not been reported in the literature in individuals affected with RELN-related conditions. Advanced modeling of protein sequence and biophysical properties (such as structural, functional, and spatial information, amino acid conservation, physicochemical variation, residue mobility, and thermodynamic stability) performed at Invitae indicates that this missense variant is not expected to disrupt RELN protein function with a negative predictive value of 80%. In summary, the available evidence is currently insufficient to determine the role of this variant in disease. Therefore, it has been classified as a Variant of Uncertain Significance.